The following is an entry in ClinVar:

NM_015375.3(DSTYK):c.2441T>C (p.Ile814Thr)

Gene: DSTYK (dual serine/threonine and tyrosine protein kinase; minus strand). Cytogenetic location: 1q32.1.
Variant type: single nucleotide variant.
Coding change: c.2441T>C on transcript NM_015375.3 (MANE Select); coding-DNA position 2441, T replaced by C.
Protein change: p.Ile814Thr; replaces isoleucine 814 with threonine.
Molecular consequence: missense variant.
Genome position (GRCh38, 1-based): chr1:205,150,706, A>G on the plus strand (T>C on the coding strand, the complement: DSTYK is on the minus strand). VCF-style: chr1-205150706-A-G. GRCh37 (hg19) VCF-style: chr1-205119834-A-G.
Other names: c.2441T>C, p.Ile814Thr (NM_199462.3); short protein forms I814T.
Identifiers: ClinVar variation 4281991 (VCV004281991.2).

ClinVar aggregate classification (germline): Uncertain significance. Review status: criteria provided, multiple submitters, no conflicts (2 of 4 stars). 2 submissions from 2 submitters: Uncertain significance (2). Last evaluated 2025-04-08.

gnomAD v4.1: 2 of 1,613,816 alleles (0.00012%); highest among the groups gnomAD compares: Non-Finnish European, 0.00017%; no homozygotes.

Submissions (2):

GeneDx
Classification: Uncertain significance. Last evaluated: 2025-04-08. Review status: criteria provided, single submitter. Criteria: GeneDx Variant Classification Process June 2021. Collection method: clinical testing. Allele origin: germline. Affected: yes.
Comment: Not observed at significant frequency in large population cohorts (gnomAD); In silico analysis supports that this missense variant has a deleterious effect on protein structure/function; Has not been previously published as pathogenic or benign to our knowledge

Labcorp Genetics (formerly Invitae), Labcorp
Classification: Uncertain significance. Last evaluated: 2025-02-18. Review status: criteria provided, single submitter. Criteria: Invitae Variant Classification Sherloc (09022015). Collection method: clinical testing. Allele origin: germline.
Comment: This sequence change replaces isoleucine, which is neutral and non-polar, with threonine, which is neutral and polar, at codon 814 of the DSTYK protein (p.Ile814Thr). This variant is not present in population databases (gnomAD no frequency). This variant has not been reported in the literature in individuals affected with DSTYK-related conditions. An algorithm developed to predict the effect of missense changes on protein structure and function (PolyPhen-2) suggests that this variant is likely to be disruptive. In summary, the available evidence is currently insufficient to determine the role of this variant in disease. Therefore, it has been classified as a Variant of Uncertain Significance.